The following is an entry in ClinVar:

ClinVar aggregate classification (germline): Likely pathogenic. Review status: criteria provided, multiple submitters, no conflicts (2 of 4 stars). 3 submissions from 3 submitters: Likely pathogenic (2). 1 of the submissions does not count toward it. Last evaluated 2024-02-21.

Conditions:
Pyruvate dehydrogenase E3 deficiency (DLDD). Also called: Dihydrolipoamide Dehydrogenase (E3) Deficiency; MAPLE SYRUP URINE DISEASE, TYPE III; Dihydrolipoamide Dehydrogenase E3 Deficiency; Lipoamide dehydrogenase deficiency; Lipoamide dehydrogenase deficiency, lactic acidosis due to; Dihydrolipoamide Dehydrogenase Deficiency. Identifiers: Orphanet 2394, Orphanet 765, MedGen C5574660, MONDO:0009529, OMIM 246900.

Allele frequency attached by ClinVar (database versions not stated): gnomAD exomes below 0.00001.
gnomAD v4.1: 2 of 1,614,126 alleles (0.00012%); highest among the groups gnomAD compares: Non-Finnish European, 0.00017%; no homozygotes.

Submissions (3):

Fulgent Genetics
Classification: Likely pathogenic for Pyruvate dehydrogenase E3 deficiency. Last evaluated: 2024-02-21. Review status: criteria provided, single submitter. Criteria: ACMG Guidelines, 2015. Collection method: clinical testing. Allele origin: germline.

Labcorp Genetics (formerly Invitae), Labcorp
Classification: Likely pathogenic for Pyruvate dehydrogenase E3 deficiency. Last evaluated: 2023-08-09. Review status: criteria provided, single submitter. Criteria: Invitae Variant Classification Sherloc (09022015). Collection method: clinical testing. Allele origin: germline.
Comment: In summary, the currently available evidence indicates that the variant is pathogenic, but additional data are needed to prove that conclusively. Therefore, this variant has been classified as Likely Pathogenic. This sequence change affects a donor splice site in intron 1 of the DLD gene. It is expected to disrupt RNA splicing. Variants that disrupt the donor or acceptor splice site typically lead to a loss of protein function (PMID: 16199547), and loss-of-function variants in DLD are known to be pathogenic (PMID: 8968745, 9934985). Algorithms developed to predict the effect of sequence changes on RNA splicing suggest that this variant may disrupt the consensus splice site. ClinVar contains an entry for this variant (Variation ID: 371615). This variant has not been reported in the literature in individuals affected with DLD-related conditions. This variant is not present in population databases (gnomAD no frequency).

Counsyl
Classification: Likely pathogenic for Pyruvate dehydrogenase E3 deficiency. Last evaluated: 2016-11-02. Review status: no assertion criteria provided. Collection method: clinical testing. Allele origin: unknown. Not counted in ClinVar's aggregate classification.

Literature cited by the submitters: PubMed 16199547 (cited by Labcorp Genetics (formerly Invitae), Labcorp); PubMed 8968745 (cited by Labcorp Genetics (formerly Invitae), Labcorp); PubMed 9934985 (cited by Labcorp Genetics (formerly Invitae), Labcorp).

NM_000108.5(DLD):c.39+1G>A

Gene: DLD (dihydrolipoamide dehydrogenase; plus strand). Cytogenetic location: 7q31.1.
Variant type: single nucleotide variant.
Coding change: c.39+1G>A on transcript NM_000108.5 (MANE Select); the canonical splice donor site of the intron after coding-DNA position 39, G replaced by A.
Molecular consequence: splice donor variant.
Genome position (GRCh38, 1-based): chr7:107,891,290, G>A. VCF-style: chr7-107891290-G-A. GRCh37 (hg19) VCF-style: chr7-107531735-G-A.
Other names: c.39+1G>A (NM_001289752.1, NM_001289751.1); c.-110+1G>A (NM_001289750.1).
Identifiers: ClinVar variation 371615 (VCV000371615.7), dbSNP rs111257462, ClinGen allele CA16041119.